The following is an entry in ClinVar:

ClinVar aggregate classification (germline): Conflicting classifications of pathogenicity. Review status: criteria provided, conflicting classifications (1 of 4 stars). 2 submissions from 2 submitters: Uncertain significance (1); Likely benign (1). Last evaluated 2024-03-14.

Conditions:
Multiple endocrine neoplasia type 4. Also called: MULTIPLE ENDOCRINE NEOPLASIA, TYPE IV. Identifiers: Orphanet 276152, MedGen C1970712, MONDO:0012552, OMIM 610755.
Hereditary cancer-predisposing syndrome. Also called: Neoplastic Syndromes, Hereditary; Tumor predisposition; Hereditary neoplastic syndrome; Hereditary Cancer Syndrome. Identifiers: Orphanet 140162, MedGen C0027672, MeSH D009386, MONDO:0015356.

Allele frequency attached by ClinVar (database versions not stated): TOPMed below 0.00001.
gnomAD v4.1: 3 of 1,613,944 alleles (0.00019%); highest among the groups gnomAD compares: African/African-American, 0.0013%; no homozygotes.

Submissions (2):

Ambry Genetics
Classification: Likely benign for Hereditary cancer-predisposing syndrome. Last evaluated: 2024-03-14. Review status: criteria provided, single submitter. Criteria: Ambry Variant Classification Scheme 2023. Collection method: clinical testing. Allele origin: germline.

Labcorp Genetics (formerly Invitae), Labcorp
Classification: Uncertain significance for Multiple endocrine neoplasia type 4. Last evaluated: 2023-06-02. Review status: criteria provided, single submitter. Criteria: Invitae Variant Classification Sherloc (09022015). Collection method: clinical testing. Allele origin: germline.
Comment: This sequence change replaces proline, which is neutral and non-polar, with leucine, which is neutral and non-polar, at codon 102 of the CDKN1B protein (p.Pro102Leu). This variant is present in population databases (no rsID available, gnomAD 0.01%). This variant has not been reported in the literature in individuals affected with CDKN1B-related conditions. ClinVar contains an entry for this variant (Variation ID: 1799343). An algorithm developed to predict the effect of missense changes on protein structure and function (PolyPhen-2) suggests that this variant is likely to be tolerated. In summary, the available evidence is currently insufficient to determine the role of this variant in disease. Therefore, it has been classified as a Variant of Uncertain Significance.

NM_004064.5(CDKN1B):c.305C>T (p.Pro102Leu)

Gene: CDKN1B (cyclin dependent kinase inhibitor 1B; plus strand). Cytogenetic location: 12p13.1.
Variant type: single nucleotide variant.
Coding change: c.305C>T on transcript NM_004064.5 (MANE Select); coding-DNA position 305, C replaced by T.
Protein change: p.Pro102Leu; replaces proline 102 with leucine.
Molecular consequence: missense variant.
Genome position (GRCh38, 1-based): chr12:12,718,144, C>T. VCF-style: chr12-12718144-C-T. GRCh37 (hg19) VCF-style: chr12-12871078-C-T.
Other names: short protein forms P102L.
Identifiers: ClinVar variation 1799343 (VCV001799343.5), dbSNP rs1421717737, ClinGen allele CA383970150.
Genomic context (GRCh38, chr12:12,718,144, plus strand): 5'-GCAGCTTGCCCGAGTTCTACTACAGACCCCCGCGGCCCCCCAAAGGTGCCTGCAAGGTGC[C>T]GGCGCAGGAGAGCCAGGATGTCAGCGGGAGCCGCCCGGCGGCGCCTTTAATTGGGGCTCC-3'
Protein context (NP_004055.1, residues 92-112): PRPPKGACKV[Pro102Leu]AQESQDVSGS